The following is an entry in ClinVar:

NM_206933.4(USH2A):c.15559T>A (p.Phe5187Ile)

Gene: USH2A (usherin; minus strand). Cytogenetic location: 1q41.
Variant type: single nucleotide variant.
Coding change: c.15559T>A on transcript NM_206933.4 (MANE Select); coding-DNA position 15559, T replaced by A.
Protein change: p.Phe5187Ile; replaces phenylalanine 5187 with isoleucine.
Molecular consequence: missense variant.
Genome position (GRCh38, 1-based): chr1:215,625,831, A>T on the plus strand (T>A on the coding strand, the complement: USH2A is on the minus strand). VCF-style: chr1-215625831-A-T. GRCh37 (hg19) VCF-style: chr1-215799173-A-T.
Other names: short protein forms F5187I.
Identifiers: ClinVar variation 2338494 (VCV002338494.5), dbSNP rs1558253732, ClinGen allele CA344820328.

ClinVar aggregate classification (germline): Uncertain significance. Review status: criteria provided, multiple submitters, no conflicts (2 of 4 stars). 2 submissions from 2 submitters: Uncertain significance (2). Last evaluated 2023-12-09.

Conditions:
Inborn genetic diseases. Identifiers: MedGen C0950123, MeSH D030342.

Allele frequency attached by ClinVar (database versions not stated): gnomAD 0.00001.
gnomAD v4.1: 1 of 1,614,000 alleles (0.000062%); no homozygotes.

Submissions (2):

Labcorp Genetics (formerly Invitae), Labcorp
Classification: Uncertain significance. Last evaluated: 2023-12-09. Review status: criteria provided, single submitter. Criteria: Invitae Variant Classification Sherloc (09022015). Collection method: clinical testing. Allele origin: germline.
Comment: This sequence change replaces phenylalanine, which is neutral and non-polar, with isoleucine, which is neutral and non-polar, at codon 5187 of the USH2A protein (p.Phe5187Ile). This variant is not present in population databases (gnomAD no frequency). This variant has not been reported in the literature in individuals affected with USH2A-related conditions. ClinVar contains an entry for this variant (Variation ID: 2338494). Advanced modeling of protein sequence and biophysical properties (such as structural, functional, and spatial information, amino acid conservation, physicochemical variation, residue mobility, and thermodynamic stability) has been performed at Invitae for this missense variant, however the output from this modeling did not meet the statistical confidence thresholds required to predict the impact of this variant on USH2A protein function. In summary, the available evidence is currently insufficient to determine the role of this variant in disease. Therefore, it has been classified as a Variant of Uncertain Significance.

Ambry Genetics
Classification: Uncertain significance for Inborn genetic diseases. Last evaluated: 2022-12-21. Review status: criteria provided, single submitter. Criteria: Ambry Variant Classification Scheme 2023. Collection method: clinical testing. Allele origin: germline.